The following is an entry in ClinVar:

ClinVar aggregate classification (germline): Benign/Likely benign. Review status: criteria provided, multiple submitters, no conflicts (2 of 4 stars). 4 submissions from 4 submitters: Benign (2); Likely benign (2). Last evaluated 2026-02-02.

Conditions:
Congenital microvillous atrophy (DIAR2). Also called: CONGENITAL FAMILIAL PROTRACTED DIARRHEA WITH ENTEROCYTE BRUSH-BORDER ABNORMALITIES; DAVIDSON DISEASE; Microvillus inclusion disease; Diarrhea 2 with microvillus atrophy, with or without cholestasis; MICROVILLUS ATROPHY, CONGENITAL. Identifiers: Orphanet 2290, MedGen C0341306, MONDO:0009635, OMIM 251850.

Allele frequency attached by ClinVar (database versions not stated): gnomAD 0.00036 and 0.00048; TOPMed 0.00105; 1000 Genomes Project 30x 0.00187; 1000 Genomes Project 0.00240.
gnomAD v4.1: 517 of 1,613,988 alleles (0.032%); highest among the groups gnomAD compares: East Asian, 1.1%; 5 homozygotes.

Submissions (4):

Labcorp Genetics (formerly Invitae), Labcorp
Classification: Benign. Last evaluated: 2026-02-02. Review status: criteria provided, single submitter. Criteria: Invitae Variant Classification Sherloc (09022015). Collection method: clinical testing. Allele origin: germline.

CeGaT Center for Human Genetics Tuebingen
Classification: Likely benign. Last evaluated: 2025-07-01. Review status: criteria provided, single submitter. Criteria: CeGaT Center For Human Genetics Tuebingen Variant Classification Criteria Version 2. Collection method: clinical testing. Allele origin: germline. Affected: yes. Observed: 1 variant allele.
Comment: MYO5B: BP4, BS1

Blueprint Genetics
Classification: Likely benign. Last evaluated: 2024-10-23. Review status: criteria provided, single submitter. Criteria: ACMG Guidelines, 2015. Collection method: clinical testing. Allele origin: germline.

Illumina Laboratory Services, Illumina
Classification: Benign for Congenital microvillous atrophy. Last evaluated: 2018-01-12. Review status: criteria provided, single submitter. Criteria: ICSL Variant Classification Criteria 13 December 2019. Collection method: clinical testing. Allele origin: germline.
Comment: This variant was observed in the ICSL laboratory as part of a predisposition screen in an ostensibly healthy population. It had not been previously curated by ICSL or reported in the Human Gene Mutation Database (HGMD: prior to June 1st, 2018), and was therefore a candidate for classification through an automated scoring system. Utilizing variant allele frequency, disease prevalence and penetrance estimates, and inheritance mode, an automated score was calculated to assess if this variant is too frequent to cause the disease. Based on the score and internal cut-off values, a variant classified as benign is not then subjected to further curation. The score for this variant resulted in a classification of benign for this disease.

NM_001080467.3(MYO5B):c.886A>G (p.Ile296Val)

Gene: MYO5B (myosin VB; minus strand). Cytogenetic location: 18q21.1.
Variant type: single nucleotide variant.
Coding change: c.886A>G on transcript NM_001080467.3 (MANE Select); coding-DNA position 886, A replaced by G.
Protein change: p.Ile296Val; replaces isoleucine 296 with valine.
Molecular consequence: missense variant.
Genome position (GRCh38, 1-based): chr18:49,984,778, T>C on the plus strand (A>G on the coding strand, the complement: MYO5B is on the minus strand). VCF-style: chr18-49984778-T-C. GRCh37 (hg19) VCF-style: chr18-47511148-T-C.
Other names: short protein forms I296V.
Identifiers: ClinVar variation 327077 (VCV000327077.23), dbSNP rs79714279, ClinGen allele CA8961732.
Genomic context (GRCh38, chr18:49,984,778, plus strand): 5'-CGAGGAGTGTGAAGGCTTGTCGAGTCTTCTCAAAGTCCTCAGCATCGTCCACACCCTCGA[T>C]GGAAGTGTCTCCTCCCTGTGATGTATAGAAAAAGTCCTCTGCACTTGCTGTGGGAGGCGA-3'
Protein context (NP_001073936.1, residues 286-306): FYTSQGGDTS[Ile296Val]EGVDDAEDFE